The following is an entry in ClinVar:

ClinVar aggregate classification (germline): Uncertain significance (1 of 4 stars; one submission).

Conditions:
Regional enteritis. Also called: Enteritis, Granulomatous. Identifiers: MedGen C0678202, MeSH D003424.
Blau syndrome (BLAUS). Also called: GRANULOMATOSIS, FAMILIAL JUVENILE SYSTEMIC; GRANULOMATOSIS, FAMILIAL, BLAU TYPE; GRANULOMATOUS INFLAMMATORY ARTHRITIS, DERMATITIS, AND UVEITIS, FAMILIAL; JABS SYNDROME; ARTHROCUTANEOUVEAL GRANULOMATOSIS. Identifiers: Orphanet 90340, MedGen C5201146, MONDO:0008523, OMIM 186580.

Submission:

Labcorp Genetics (formerly Invitae), Labcorp
Classification: Uncertain significance for Regional enteritis; Blau syndrome. Last evaluated: 2024-08-20. Review status: criteria provided, single submitter. Criteria: Invitae Variant Classification Sherloc (09022015). Collection method: clinical testing. Allele origin: germline.
Comment: This sequence change affects the initiator methionine of the NOD2 mRNA. The next in-frame methionine is located at codon 28. This variant is not present in population databases (gnomAD no frequency). This variant has not been reported in the literature in individuals affected with NOD2-related conditions. In summary, the available evidence is currently insufficient to determine the role of this variant in disease. Therefore, it has been classified as a Variant of Uncertain Significance.

NM_001370466.1(NOD2):c.-8-2244A>T

Gene: NOD2 (nucleotide binding oligomerization domain containing 2; plus strand). Cytogenetic location: 16q12.1.
Variant type: single nucleotide variant.
Coding change: c.-8-2244A>T on transcript NM_001370466.1 (MANE Select); 2244 bases into the intron before 8 bases upstream of the start codon, A replaced by T.
Molecular consequence: intron variant. On other transcripts: missense variant (1), initiator codon variant (1).
Genome position (GRCh38, 1-based): chr16:50,697,244, A>T. VCF-style: chr16-50697244-A-T. GRCh37 (hg19) VCF-style: chr16-50731155-A-T.
Other names: c.1A>T, p.Met1Leu (NM_022162.3); short protein forms M1L.
Identifiers: ClinVar variation 3757098 (VCV003757098.2).